The following is an entry in ClinVar:

ClinVar aggregate classification (germline): Conflicting classifications of pathogenicity. Review status: criteria provided, conflicting classifications (1 of 4 stars). 4 submissions from 4 submitters: Uncertain significance (1); Likely benign (3). Last evaluated 2026-07-28.

Conditions:
Inborn genetic diseases. Identifiers: MedGen C0950123, MeSH D030342.
IFT27-related disorder. Also called: IFT27-related condition.

Allele frequency attached by ClinVar (database versions not stated): ExAC 0.00006; ESP Exome Variant Server 0.00015; gnomAD 0.00026 and 0.00028; TOPMed 0.00030; 1000 Genomes Project 0.00040; 1000 Genomes Project 30x 0.00047.
gnomAD v4.1: 94 of 1,614,062 alleles (0.0058%); highest among the groups gnomAD compares: African/African-American, 0.092%; no homozygotes.

Submissions (4):

PreventionGenetics, part of Exact Sciences
Classification: Uncertain significance for IFT27-related condition. Last evaluated: 2026-07-28. Review status: criteria provided, single submitter. Criteria: ACMG Guidelines, 2015. Collection method: clinical testing. Allele origin: germline.
Comment: The IFT27 c.545G>A variant is predicted to result in the amino acid substitution p.Arg182Gln. To our knowledge, this variant has not been reported in the literature. This variant is reported in 0.096% of alleles in individuals of African descent in gnomAD. Although we suspect that this variant may be benign, at this time, the clinical significance of this variant is uncertain due to the absence of conclusive functional and genetic evidence.

Labcorp Genetics (formerly Invitae), Labcorp
Classification: Likely benign. Last evaluated: 2025-08-31. Review status: criteria provided, single submitter. Criteria: Invitae Variant Classification Sherloc (09022015). Collection method: clinical testing. Allele origin: germline.

Blueprint Genetics
Classification: Likely benign. Last evaluated: 2024-01-10. Review status: criteria provided, single submitter. Criteria: ACMG Guidelines, 2015. Collection method: clinical testing. Allele origin: germline.

Ambry Genetics
Classification: Likely benign for Inborn genetic diseases. Last evaluated: 2022-05-27. Review status: criteria provided, single submitter. Criteria: Ambry Variant Classification Scheme 2023. Collection method: clinical testing. Allele origin: germline.

NM_001177701.3(IFT27):c.548G>A (p.Arg183Gln)

Genes: CACNG2-DT (CACNG2 divergent transcript; plus strand), IFT27 (intraflagellar transport 27; minus strand). Cytogenetic location: 22q12.3.
Variant type: single nucleotide variant.
Coding change: c.548G>A on transcript NM_001177701.3 (MANE Select); coding-DNA position 548, G replaced by A.
Protein change: p.Arg183Gln; replaces arginine 183 with glutamine.
Molecular consequence: missense variant.
Genome position (GRCh38, 1-based): chr22:36,758,324, C>T on the plus strand (G>A on the coding strand, the complement: IFT27 is on the minus strand). VCF-style: chr22-36758324-C-T. GRCh37 (hg19) VCF-style: chr22-37154368-C-T.
Other names: c.548G>A, p.Arg183Gln (NM_001363003.2); c.545G>A, p.Arg182Gln (NM_006860.5); c.548G>A (NM_001177701.1); short protein forms R182Q, R183Q.
Identifiers: ClinVar variation 961819 (VCV000961819.12), dbSNP rs140440023, ClinGen allele CA10212297.